The following is an entry in ClinVar:

ClinVar aggregate classification (germline): Benign (1 of 4 stars; one submission).

Conditions:
Paroxysmal nonkinesigenic dyskinesia 1 (PNKD1). Also called: Nonkinesigenic choreoathetosis; Familial paroxysmal choreoathetosis; DYSTONIA 8; Familial Paroxysmal Nonkinesigenic Dyskinesia; MOUNT-REBACK SYNDROME; PxMD-PNKD. Identifiers: Orphanet 98810, MedGen C4551506, MONDO:0700089, OMIM 118800, MONDO:0007326.

Allele frequency attached by ClinVar (database versions not stated): gnomAD 0.00001; gnomAD exomes 0.00002; TOPMed 0.00002; ExAC 0.00003.
gnomAD v4.1: 134 of 1,564,212 alleles (0.0086%); highest among the groups gnomAD compares: Non-Finnish European, 0.011%; no homozygotes.

Submission:

Illumina Laboratory Services, Illumina
Classification: Benign for Paroxysmal nonkinesigenic dyskinesia 1. Last evaluated: 2018-01-12. Review status: criteria provided, single submitter. Criteria: ICSL Variant Classification Criteria 13 December 2019. Collection method: clinical testing. Allele origin: germline.
Comment: This variant was observed in the ICSL laboratory as part of a predisposition screen in an ostensibly healthy population. It had not been previously curated by ICSL or reported in the Human Gene Mutation Database (HGMD: prior to June 1st, 2018), and was therefore a candidate for classification through an automated scoring system. Utilizing variant allele frequency, disease prevalence and penetrance estimates, and inheritance mode, an automated score was calculated to assess if this variant is too frequent to cause the disease. Based on the score and internal cut-off values, a variant classified as benign is not then subjected to further curation. The score for this variant resulted in a classification of benign for this disease.

NM_015488.5(PNKD):c.*33C>T

Genes: CATIP-AS2 (CATIP antisense RNA 2; minus strand), PNKD (PNKD metallo-beta-lactamase domain containing; plus strand). Cytogenetic location: 2q35.
Variant type: single nucleotide variant.
Coding change: c.*33C>T on transcript NM_015488.5 (MANE Select); 33 bases downstream of the stop codon, C replaced by T.
Molecular consequence: 3 prime UTR variant.
Genome position (GRCh38, 1-based): chr2:218,345,014, C>T. VCF-style: chr2-218345014-C-T. GRCh37 (hg19) VCF-style: chr2-219209737-C-T.
Other names: c.*33C>T (NM_022572.5).
Identifiers: ClinVar variation 334330 (VCV000334330.5), dbSNP rs766072633, ClinGen allele CA2104228.